The following is an entry in ClinVar:

ClinVar aggregate classification (germline): Benign. Review status: criteria provided, multiple submitters, no conflicts (2 of 4 stars). 3 submissions from 3 submitters: Benign (3). Last evaluated 2026-02-01.

Conditions:
Inborn genetic diseases. Identifiers: MedGen C0950123, MeSH D030342.
Rafiq syndrome (RAFQS). Identifiers: Orphanet 88616, MedGen C3280127, MONDO:0013624, OMIM 614202.

Allele frequency attached by ClinVar (database versions not stated): gnomAD exomes 0.00228 and 0.00489; ExAC 0.00522; TOPMed 0.00839; gnomAD 0.00908 and 0.00943; 1000 Genomes Project 0.00978; ESP Exome Variant Server 0.00992; 1000 Genomes Project 30x 0.01015.
gnomAD v4.1: 4,776 of 1,614,006 alleles (0.3%); highest among the groups gnomAD compares: African/African-American, 2.5%; 47 homozygotes.

Submissions (3):

Labcorp Genetics (formerly Invitae), Labcorp
Classification: Benign for Rafiq syndrome. Last evaluated: 2026-02-01. Review status: criteria provided, single submitter. Criteria: Invitae Variant Classification Sherloc (09022015). Collection method: clinical testing. Allele origin: germline.

Illumina Laboratory Services, Illumina
Classification: Benign for Rafiq syndrome. Last evaluated: 2018-01-13. Review status: criteria provided, single submitter. Criteria: ICSL Variant Classification Criteria 13 December 2019. Collection method: clinical testing. Allele origin: germline.
Comment: This variant was observed in the ICSL laboratory as part of a predisposition screen in an ostensibly healthy population. It had not been previously curated by ICSL or reported in the Human Gene Mutation Database (HGMD: prior to June 1st, 2018), and was therefore a candidate for classification through an automated scoring system. Utilizing variant allele frequency, disease prevalence and penetrance estimates, and inheritance mode, an automated score was calculated to assess if this variant is too frequent to cause the disease. Based on the score and internal cut-off values, a variant classified as benign is not then subjected to further curation. The score for this variant resulted in a classification of benign for this disease.

Ambry Genetics
Classification: Benign for Inborn genetic diseases. Last evaluated: 2017-08-07. Review status: criteria provided, single submitter. Criteria: Ambry Variant Classification Scheme 2023. Collection method: clinical testing. Allele origin: germline.

NM_016219.5(MAN1B1):c.347A>G (p.Glu116Gly)

Gene: MAN1B1 (mannosidase alpha class 1B member 1; plus strand). Cytogenetic location: 9q34.3.
Variant type: single nucleotide variant.
Coding change: c.347A>G on transcript NM_016219.5 (MANE Select); coding-DNA position 347, A replaced by G.
Protein change: p.Glu116Gly; replaces glutamic acid 116 with glycine.
Molecular consequence: missense variant. On other transcripts: non-coding transcript variant (2).
Genome position (GRCh38, 1-based): chr9:137,088,887, A>G. VCF-style: chr9-137088887-A-G. GRCh37 (hg19) VCF-style: chr9-139983339-A-G.
Other names: short protein forms E116G.
Identifiers: ClinVar variation 365945 (VCV000365945.19), dbSNP rs115335100, ClinGen allele CA5358608.